The following is an entry in ClinVar:

NM_024301.5(FKRP):c.186G>T (p.Ala62=)

Gene: FKRP (fukutin related protein; plus strand). Cytogenetic location: 19q13.32.
Variant type: single nucleotide variant.
Coding change: c.186G>T on transcript NM_024301.5 (MANE Select); coding-DNA position 186, G replaced by T.
Protein change: p.Ala62=; no amino-acid change (alanine 62 retained).
Molecular consequence: synonymous variant.
Genome position (GRCh38, 1-based): chr19:46,755,636, G>T. VCF-style: chr19-46755636-G-T. GRCh37 (hg19) VCF-style: chr19-47258893-G-T.
Other names: c.186G>T, p.Ala62= (NM_001039885.3); c.186G>T (NM_024301.4).
Identifiers: ClinVar variation 1142898 (VCV001142898.12), dbSNP rs764225864, ClinGen allele CA9532123.

ClinVar aggregate classification (germline): Likely benign. Review status: criteria provided, multiple submitters, no conflicts (2 of 4 stars). 3 submissions from 3 submitters: Likely benign (2). 1 of the submissions does not count toward it. Last evaluated 2025-08-18.

Conditions:
FKRP-related disorder. Also called: FKRP-related condition.
Cardiovascular phenotype. Identifiers: MedGen CN230736.
Walker-Warburg congenital muscular dystrophy. Also called: Muscular dystrophy-dystroglycanopathy, type A; Walker-Warburg syndrome. Identifiers: Orphanet 899, MedGen C0265221, MONDO:0000171.

Allele frequency attached by ClinVar (database versions not stated): ExAC 0.00001; gnomAD exomes 0.00001; TOPMed 0.00001.

Submissions (3):

Labcorp Genetics (formerly Invitae), Labcorp
Classification: Likely benign for Walker-Warburg congenital muscular dystrophy. Last evaluated: 2025-08-18. Review status: criteria provided, single submitter. Criteria: Invitae Variant Classification Sherloc (09022015). Collection method: clinical testing. Allele origin: germline.

Ambry Genetics
Classification: Likely benign for Cardiovascular phenotype. Last evaluated: 2025-07-09. Review status: criteria provided, single submitter. Criteria: Ambry Variant Classification Scheme 2023. Collection method: clinical testing. Allele origin: germline.

PreventionGenetics, part of Exact Sciences
Classification: Likely benign for FKRP-related condition. Last evaluated: 2021-10-06. Review status: no assertion criteria provided. Collection method: clinical testing. Allele origin: germline. Not counted in ClinVar's aggregate classification.
Comment: This variant is classified as likely benign based on ACMG/AMP sequence variant interpretation guidelines (Richards et al. 2015 PMID: 25741868, with internal and published modifications).